The following is an entry in ClinVar:

NM_004519.4(KCNQ3):c.13G>A (p.Ala5Thr)

Gene: KCNQ3 (potassium voltage-gated channel subfamily Q member 3; minus strand). Cytogenetic location: 8q24.22.
Variant type: single nucleotide variant.
Coding change: c.13G>A on transcript NM_004519.4 (MANE Select); coding-DNA position 13, G replaced by A.
Protein change: p.Ala5Thr; replaces alanine 5 with threonine.
Molecular consequence: missense variant.
Genome position (GRCh38, 1-based): chr8:132,480,520, C>T on the plus strand (G>A on the coding strand, the complement: KCNQ3 is on the minus strand). VCF-style: chr8-132480520-C-T. GRCh37 (hg19) VCF-style: chr8-133492767-C-T.
Other names: short protein forms A5T.
Identifiers: ClinVar variation 2043622 (VCV002043622.4), dbSNP rs1554660854, ClinGen allele CA315658.

ClinVar aggregate classification (germline): Uncertain significance (1 of 4 stars; one submission).

Conditions:
Benign neonatal seizures. Also called: Convulsions benign familial neonatal dominant form; Autosomal dominant form of benign neonatal seizures; Benign neonatal familial convulsions; Benign familial neonatal epilepsy; Benign familial neonatal seizures. Identifiers: Orphanet 1949, MedGen C0220669, MONDO:0016027.

Allele frequency attached by ClinVar (database versions not stated): TOPMed 0.00001.

Submission:

Labcorp Genetics (formerly Invitae), Labcorp
Classification: Uncertain significance for Benign neonatal seizures. Last evaluated: 2023-06-14. Review status: criteria provided, single submitter. Criteria: Invitae Variant Classification Sherloc (09022015). Collection method: clinical testing. Allele origin: germline.
Comment: In summary, the available evidence is currently insufficient to determine the role of this variant in disease. Therefore, it has been classified as a Variant of Uncertain Significance. Advanced modeling of protein sequence and biophysical properties (such as structural, functional, and spatial information, amino acid conservation, physicochemical variation, residue mobility, and thermodynamic stability) performed at Invitae indicates that this missense variant is not expected to disrupt KCNQ3 protein function. ClinVar contains an entry for this variant (Variation ID: 2043622). This variant has not been reported in the literature in individuals affected with KCNQ3-related conditions. This variant is not present in population databases (gnomAD no frequency). This sequence change replaces alanine, which is neutral and non-polar, with threonine, which is neutral and polar, at codon 5 of the KCNQ3 protein (p.Ala5Thr).